The following is an entry in ClinVar:

ClinVar aggregate classification (germline): Conflicting classifications of pathogenicity. Review status: criteria provided, conflicting classifications (1 of 4 stars). 13 submissions from 13 submitters: Uncertain significance (3); Likely benign (6). 4 of the submissions do not count toward it. Last evaluated 2026-01-27.

Conditions:
SCN3B-related disorder. Also called: SCN3B-related condition.
Cardiovascular phenotype. Identifiers: MedGen CN230736.
Cardiomyopathy (CMYO). Also called: Cardiomyopathies. Identifiers: Orphanet 167848, MedGen C0878544, MONDO:0004994, HP:0001638. Inheritance: Various modes of inheritance.
Brugada syndrome 7 (BRGDA7). Identifiers: Orphanet 130, MedGen C2751088, MONDO:0013146, OMIM 613120.
Death in infancy. Identifiers: MedGen C1858430, HP:0001522.

Allele frequency attached by ClinVar (database versions not stated): gnomAD exomes 0.00014 and 0.00031; gnomAD 0.00029; 1000 Genomes Project 30x 0.00031; ExAC 0.00032; ESP Exome Variant Server 0.00038; 1000 Genomes Project 0.00040; TOPMed 0.00042.
gnomAD v4.1: 356 of 1,614,148 alleles (0.022%); highest among the groups gnomAD compares: East Asian, 0.29%; 4 homozygotes.

Submissions (13):

Labcorp Genetics (formerly Invitae), Labcorp
Classification: Likely benign for Brugada syndrome 7. Last evaluated: 2026-01-27. Review status: criteria provided, single submitter. Criteria: Invitae Variant Classification Sherloc (09022015). Collection method: clinical testing. Allele origin: germline.

Women's Health and Genetics/Laboratory Corporation of America, LabCorp
Classification: Likely benign. Last evaluated: 2025-02-28. Review status: criteria provided, single submitter. Criteria: LabCorp Variant Classification Summary - May 2015. Collection method: clinical testing. Allele origin: germline.
Comment: Variant summary: SCN3B c.328G>A (p.Val110Ile) results in a conservative amino acid change in the encoded protein sequence. Two of three in-silico tools predict a benign effect of the variant on protein function. The variant allele was found at a frequency of 0.00031 in 251476 control chromosomes. The observed variant frequency is approximately 48.99 fold of the estimated maximal expected allele frequency for a pathogenic variant in SCN3B causing Arrhythmia phenotype (6.3e-06). c.328G>A has been reported in the literature in individuals affected with various cardiac-related phenotypes, including Brugada-like disease (example, Ichikawa_2016, Ishikawa_2013, Ishikawa_2021). These report(s) do not provide unequivocal conclusions about association of the variant with Arrhythmia. While at least 1 study suggests this variant may be deleterious to SCN3B expression/localization/function in vitro, these data cannot yet be incorporated into scoring as there is not yet any well established molecular mechanism or gene disease association for SCN3B (example, Ishikawa_2013). The following publications have been ascertained in the context of this evaluation (PMID: 27784853, 23257389, 34219138). ClinVar contains an entry for this variant (Variation ID: 190886). Based on the evidence outlined above, the variant was classified as likely benign.

Blueprint Genetics
Classification: Likely benign. Last evaluated: 2024-07-22. Review status: criteria provided, single submitter. Criteria: ACMG Guidelines, 2015. Collection method: clinical testing. Allele origin: germline.

GeneDx
Classification: Likely benign. Last evaluated: 2021-03-04. Review status: criteria provided, single submitter. Criteria: GeneDx Variant Classification Process June 2021. Collection method: clinical testing. Allele origin: germline. Affected: yes.
Comment: This variant is associated with the following publications: (PMID: 27435932, 28747690, 27711072, 23257389, 30662450, 30821013, 30847666)

Ambry Genetics
Classification: Likely benign for Cardiovascular phenotype. Last evaluated: 2019-06-07. Review status: criteria provided, single submitter. Criteria: Ambry Variant Classification Scheme 2023. Collection method: clinical testing. Allele origin: germline.

Center for Advanced Laboratory Medicine, UC San Diego Health, University of California San Diego
Classification: Likely benign for Cardiomyopathy. Last evaluated: 2018-02-11. Review status: criteria provided, single submitter. Criteria: ACMG Guidelines, 2015. Collection method: clinical testing. Allele origin: germline. Affected: yes. Observed: 1 variant allele.

ARUP Laboratories, Molecular Genetics and Genomics, ARUP Laboratories
Classification: Uncertain significance. Last evaluated: 2017-03-10. Review status: criteria provided, single submitter. Criteria: ARUP Molecular Germline Variant Investigation Process. Collection method: clinical testing. Allele origin: germline.

Laboratory for Molecular Medicine, Mass General Brigham Personalized Medicine
Classification: Uncertain significance. Last evaluated: 2016-08-12. Review status: criteria provided, single submitter. Criteria: LMM Criteria. Collection method: clinical testing. Allele origin: germline.
Comment: Variant identified in a genome or exome case(s) and assessed due to predicted null impact of the variant or pathogenic assertions in the literature or databases. Disclaimer: This variant has not undergone full assessment. The following are preliminary notes: Frequency high for disorder; Reported in 3 probands with no seg data; ClinVar: 2 VUS

Biesecker Lab/Clinical Genomics Section, National Institutes of Health
Classification: Uncertain significance. Last evaluated: 2013-06-24. Review status: criteria provided, single submitter. Criteria: Ng et al. (Circ Cardiovasc Genet. 2013). Collection method: research. Allele origin: unknown. Observed: 2 variant alleles. Study: ClinSeq.
Comment: The study set was not selected for affection status in relation to any cancer. Pathogenicity categories were based on literature curation. See Pubmed ID:23861362 for details.

Medical sequencing

PreventionGenetics, part of Exact Sciences
Classification: Likely benign for SCN3B-related condition. Last evaluated: 2022-04-26. Review status: no assertion criteria provided. Collection method: clinical testing. Allele origin: germline. Not counted in ClinVar's aggregate classification.
Comment: This variant is classified as likely benign based on ACMG/AMP sequence variant interpretation guidelines (Richards et al. 2015 PMID: 25741868, with internal and published modifications).

Forensic Genetics Laboratory, Harris County Institute of Forensic Sciences
Classification: Pathogenic for Death in infancy. Last evaluated: 2015-03-27. Review status: no assertion criteria provided. Collection method: clinical testing. Allele origin: unknown. Affected: yes. Observed: 1 heterozygote. Study: HCIFS-Postmortem genetic screening project. Not counted in ClinVar's aggregate classification.

Clinical Genetics, Academic Medical Center
Classification: Uncertain significance. Review status: no assertion criteria provided. Collection method: clinical testing. Allele origin: germline. Affected: yes. Study: VKGL Data-share Consensus. Not counted in ClinVar's aggregate classification.

Joint Genome Diagnostic Labs from Nijmegen and Maastricht, Radboudumc and MUMC+
Classification: Uncertain significance. Review status: no assertion criteria provided. Collection method: clinical testing. Allele origin: germline. Affected: yes. Study: VKGL Data-share Consensus. Not counted in ClinVar's aggregate classification.

Literature cited by the submitters: PubMed 27784853 (cited by Women's Health and Genetics/Laboratory Corporation of America, LabCorp); PubMed 34219138 (cited by Women's Health and Genetics/Laboratory Corporation of America, LabCorp); PubMed 23257389 (cited by 3 submitters); PubMed 27435932 (cited by Ambry Genetics and Forensic Genetics Laboratory, Harris County Institute of Forensic Sciences); PubMed 27711072 (cited by Ambry Genetics); PubMed 30662450 (cited by Ambry Genetics).

NM_001040151.2(SCN3B):c.328G>A (p.Val110Ile)

Gene: SCN3B (sodium voltage-gated channel beta subunit 3; minus strand). Cytogenetic location: 11q24.1.
Variant type: single nucleotide variant.
Coding change: c.328G>A on transcript NM_001040151.2 (MANE Select); coding-DNA position 328, G replaced by A.
Protein change: p.Val110Ile; replaces valine 110 with isoleucine.
Molecular consequence: missense variant.
Genome position (GRCh38, 1-based): chr11:123,642,563, C>T on the plus strand (G>A on the coding strand, the complement: SCN3B is on the minus strand). VCF-style: chr11-123642563-C-T. GRCh37 (hg19) VCF-style: chr11-123513271-C-T.
Other names: p.V110I:GTC>ATC; c.328G>A, p.Val110Ile (NM_018400.4); short protein forms V110I.
Identifiers: ClinVar variation 190886 (VCV000190886.34), dbSNP rs147205617, ClinGen allele CA235707.